The following is an entry in ClinVar:

NM_000138.5(FBN1):c.2294-11T>A

Gene: FBN1 (fibrillin 1; minus strand). Cytogenetic location: 15q21.1.
Variant type: single nucleotide variant.
Coding change: c.2294-11T>A on transcript NM_000138.5 (MANE Select); 11 bases into the intron before coding-DNA position 2294, T replaced by A.
Molecular consequence: intron variant.
Genome position (GRCh38, 1-based): chr15:48,496,236, A>T on the plus strand (T>A on the coding strand, the complement: FBN1 is on the minus strand). VCF-style: chr15-48496236-A-T. GRCh37 (hg19) VCF-style: chr15-48788433-A-T.
Other names: c.2294-11T>A (NM_001406716.1).
Identifiers: ClinVar variation 2945490 (VCV002945490.3), dbSNP rs2505573945, ClinGen allele CA2740096662.

ClinVar aggregate classification (germline): Uncertain significance (1 of 4 stars; one submission).

Conditions:
Marfan syndrome (MFS). Also called: MARFAN SYNDROME, TYPE I; Marfan syndrome type 1; Marfan's syndrome; Marfan syndrome, classic; FBN1-Related Marfan Syndrome. Identifiers: Orphanet 284963, Orphanet 558, MedGen C0024796, MONDO:0007947, OMIM 154700.
Familial thoracic aortic aneurysm and aortic dissection (TAAD). Also called: Thoracic aortic aneurysms and dissections. Identifiers: Orphanet 91387, MedGen C4707243, MONDO:0019625.

Submission:

Labcorp Genetics (formerly Invitae), Labcorp
Classification: Uncertain significance for Marfan syndrome; Familial thoracic aortic aneurysm and aortic dissection. Last evaluated: 2023-03-19. Review status: criteria provided, single submitter. Criteria: Invitae Variant Classification Sherloc (09022015). Collection method: clinical testing. Allele origin: germline.
Comment: In summary, the available evidence is currently insufficient to determine the role of this variant in disease. Therefore, it has been classified as a Variant of Uncertain Significance. Algorithms developed to predict the effect of sequence changes on RNA splicing suggest that this variant may disrupt the consensus splice site. This variant has not been reported in the literature in individuals affected with FBN1-related conditions. This variant is not present in population databases (gnomAD no frequency). This sequence change falls in intron 19 of the FBN1 gene. It does not directly change the encoded amino acid sequence of the FBN1 protein.